The following is an entry in ClinVar:

NM_004946.3(DOCK2):c.2742G>C (p.Gln914His)

Gene: DOCK2 (dedicator of cytokinesis 2; plus strand). Cytogenetic location: 5q35.1.
Variant type: single nucleotide variant.
Coding change: c.2742G>C on transcript NM_004946.3 (MANE Select); coding-DNA position 2742, G replaced by C.
Protein change: p.Gln914His; replaces glutamine 914 with histidine.
Molecular consequence: missense variant. On other transcripts: non-coding transcript variant (1).
Genome position (GRCh38, 1-based): chr5:169,840,795, G>C. VCF-style: chr5-169840795-G-C. GRCh37 (hg19) VCF-style: chr5-169267799-G-C.
Other names: c.2742G>C, p.Gln914His (LRG_1227t1); short protein forms Q914H.
Identifiers: ClinVar variation 542605 (VCV000542605.5), dbSNP rs761742890, ClinGen allele CA3553836.
Genomic context (GRCh38, chr5:169,840,795, plus strand): 5'-GATGTCTCTGACTGTTTTACAGGCCTTCACCTACCACCATATCCAGGAGATCATGGTCCA[G>C]CTGCTGCGGACAGTGAACCGGACAGTCATCACCATGGGCCGGGATCACATTCTGATTGTG-3'
Protein context (NP_004937.1, residues 904-924): TYHHIQEIMV[Gln914His]LLRTVNRTVI

ClinVar aggregate classification (germline): Uncertain significance (1 of 4 stars; one submission).

Conditions:
DOCK2 deficiency. Also called: Immunodeficiency 40. Identifiers: Orphanet 447737, MedGen C4225328, MONDO:0014637, OMIM 616433.

Allele frequency attached by ClinVar (database versions not stated): gnomAD exomes below 0.00001 and 0.00002; ExAC 0.00001; gnomAD 0.00001; TOPMed 0.00002.
gnomAD v4.1: 32 of 1,613,900 alleles (0.002%); highest among the groups gnomAD compares: Non-Finnish European, 0.0026%; no homozygotes.

Submission:

Labcorp Genetics (formerly Invitae), Labcorp
Classification: Uncertain significance for DOCK2 deficiency. Last evaluated: 2023-08-04. Review status: criteria provided, single submitter. Criteria: Invitae Variant Classification Sherloc (09022015). Collection method: clinical testing. Allele origin: germline.
Comment: This variant is present in population databases (rs761742890, gnomAD 0.003%). This sequence change replaces glutamine, which is neutral and polar, with histidine, which is basic and polar, at codon 914 of the DOCK2 protein (p.Gln914His). This variant has not been reported in the literature in individuals affected with DOCK2-related conditions. In summary, the available evidence is currently insufficient to determine the role of this variant in disease. Therefore, it has been classified as a Variant of Uncertain Significance. An algorithm developed to predict the effect of missense changes on protein structure and function (PolyPhen-2) suggests that this variant¬†is likely to be tolerated. ClinVar contains an entry for this variant (Variation ID: 542605).